The following is an entry in ClinVar:

NC_000010.10:g.(?_73337661)_(73337759_?)dup

Gene: CDH23 (cadherin related 23; plus strand). Cytogenetic location: 10q22.1.
Variant type: Duplication.
Identifiers: ClinVar variation 1523925 (VCV001523925.5).

ClinVar aggregate classification (germline): Likely pathogenic (1 of 4 stars; one submission).

Submission:

Labcorp Genetics (formerly Invitae), Labcorp
Classification: Likely pathogenic. Last evaluated: 2022-09-03. Review status: criteria provided, single submitter. Criteria: Invitae Variant Classification Sherloc (09022015). Collection method: clinical testing. Allele origin: germline.
Comment: This variant results in a copy number gain of the genomic region encompassing exon(s) 9 of the CDH23 gene. While the exact position of this variant cannot be determined from the data, sub-genic copy number gains are generally in tandem (PMID: 25640679). This variant is predicted to be out-of-frame, and may result in an absent or disrupted protein product. Loss-of-function variants in CDH23 are known to be pathogenic (PMID: 11138009, 21940737). In summary, the currently available evidence indicates that the variant is pathogenic, but additional data are needed to prove that conclusively. Therefore, this variant has been classified as Likely Pathogenic. This variant has not been reported in the literature in individuals affected with CDH23-related conditions.

Literature cited by the submitters: PubMed 25640679; PubMed 11138009; PubMed 21940737.